The following is an entry in ClinVar:

ClinVar aggregate classification (germline): Conflicting classifications of pathogenicity. Review status: criteria provided, conflicting classifications (1 of 4 stars). 3 submissions from 3 submitters: Uncertain significance (1); Likely benign (2). Last evaluated 2025-10-10.

Conditions:
CDHR1-related disorder. Also called: CDHR1-related condition.

Allele frequency attached by ClinVar (database versions not stated): ExAC 0.00004; gnomAD exomes 0.00004; TOPMed 0.00008; 1000 Genomes Project 0.00040; 1000 Genomes Project 30x 0.00047.
gnomAD v4.1: 17 of 1,601,888 alleles (0.0011%); highest among the groups gnomAD compares: Admixed American, 0.023%; no homozygotes.

Submissions (3):

PreventionGenetics, part of Exact Sciences
Classification: Likely benign for CDHR1-related condition. Last evaluated: 2025-10-10. Review status: criteria provided, single submitter. Criteria: ACMG Guidelines, 2015. Collection method: clinical testing. Allele origin: germline.
Comment: This variant is classified as likely benign based on ACMG/AMP sequence variant interpretation guidelines (Richards et al. 2015 PMID: 25741868, with internal and published modifications).

Labcorp Genetics (formerly Invitae), Labcorp
Classification: Likely benign. Last evaluated: 2025-09-16. Review status: criteria provided, single submitter. Criteria: Invitae Variant Classification Sherloc (09022015). Collection method: clinical testing. Allele origin: germline.

Blueprint Genetics
Classification: Uncertain significance. Last evaluated: 2022-05-14. Review status: criteria provided, single submitter. Criteria: ACMG Guidelines, 2015. Collection method: clinical testing. Allele origin: germline.

NM_033100.4(CDHR1):c.2505C>G (p.Pro835=)

Gene: CDHR1 (cadherin related family member 1; plus strand). Cytogenetic location: 10q23.1.
Variant type: single nucleotide variant.
Coding change: c.2505C>G on transcript NM_033100.4 (MANE Select); coding-DNA position 2505, C replaced by G.
Protein change: p.Pro835=; no amino-acid change (proline 835 retained).
Molecular consequence: synonymous variant. On other transcripts: intron variant (1).
Genome position (GRCh38, 1-based): chr10:84,214,546, C>G. VCF-style: chr10-84214546-C-G. GRCh37 (hg19) VCF-style: chr10-85974302-C-G.
Other names: c.2040+1198C>G (NM_001171971.3); c.2505C>G (NM_033100.3).
Identifiers: ClinVar variation 1089242 (VCV001089242.11), dbSNP rs201240638, ClinGen allele CA5580256.